The following is an entry in ClinVar:

NM_024675.4(PALB2):c.1057A>G (p.Lys353Glu)

Gene: PALB2 (partner and localizer of BRCA2; minus strand). Cytogenetic location: 16p12.2.
Variant type: single nucleotide variant.
Coding change: c.1057A>G on transcript NM_024675.4 (MANE Select); coding-DNA position 1057, A replaced by G.
Protein change: p.Lys353Glu; replaces lysine 353 with glutamic acid.
Molecular consequence: missense variant.
Genome position (GRCh38, 1-based): chr16:23,635,489, T>C on the plus strand (A>G on the coding strand, the complement: PALB2 is on the minus strand). VCF-style: chr16-23635489-T-C. GRCh37 (hg19) VCF-style: chr16-23646810-T-C.
Other names: short protein forms K353E.
Identifiers: ClinVar variation 241523 (VCV000241523.9), dbSNP rs878855096, ClinGen allele CA10583377.

ClinVar aggregate classification (germline): Uncertain significance (1 of 4 stars; one submission).

Conditions:
Familial cancer of breast. Also called: Hereditary breast cancer; BREAST CANCER, FAMILIAL; hereditary breast carcinoma. Identifiers: Orphanet 227535, MedGen C0346153, MONDO:0016419, OMIM 114480. Disease mechanism: loss of function.

Submission:

Labcorp Genetics (formerly Invitae), Labcorp
Classification: Uncertain significance for Familial cancer of breast. Last evaluated: 2016-01-29. Review status: criteria provided, single submitter. Criteria: Invitae Variant Classification Sherloc (09022015). Collection method: clinical testing. Allele origin: germline.
Comment: This variant is not present in population databases (ExAC no frequency) and has not been reported in the literature in individuals with a PALB2-related disease. The glutamic acid amino acid residue is found in multiple mammalian species, suggesting that this missense change does not adversely affect protein function. In addition, algorithms developed to predict the effect of missense changes on protein structure and function (SIFT, PolyPhen-2, Align-GVGD) all suggest that this variant is likely to be tolerated, but these predictions have not been confirmed by published functional studies. In summary, this is a novel missense change that is not predicted to affect protein function or cause disease. However, the evidence is insufficient at this time to prove that conclusively. It has been classified as a Variant of Uncertain Significance. This sequence change replaces lysine with glutamic acid at codon 353 of the PALB2 protein (p.Lys353Glu). The lysine residue is moderately conserved and there is a small physicochemical difference between lysine and glutamic acid.